The following is an entry in ClinVar:

ClinVar aggregate classification (germline): Uncertain significance (1 of 4 stars; one submission).

Conditions:
PEX13-related disorder. Also called: PEX13-related condition; PEX13-related disorders.

Submission:

PreventionGenetics, part of Exact Sciences
Classification: Uncertain significance for PEX13-related condition. Last evaluated: 2026-02-16. Review status: criteria provided, single submitter. Criteria: ACMG Guidelines, 2015. Collection method: clinical testing. Allele origin: germline.
Comment: The PEX13 c.415G>A variant is predicted to result in the amino acid substitution p.Ala139Thr. To our knowledge, this variant has not been reported in the literature or in a large population database (gnomAD), indicating this variant is rare. At this time, the clinical significance of this variant is uncertain due to the absence of conclusive functional and genetic evidence.

NM_002618.4(PEX13):c.415G>A (p.Ala139Thr)

Gene: PEX13 (peroxisomal biogenesis factor 13; plus strand). Cytogenetic location: 2p15.
Variant type: single nucleotide variant.
Coding change: c.415G>A on transcript NM_002618.4 (MANE Select); coding-DNA position 415, G replaced by A.
Protein change: p.Ala139Thr; replaces alanine 139 with threonine.
Molecular consequence: missense variant.
Genome position (GRCh38, 1-based): chr2:61,031,741, G>A. VCF-style: chr2-61031741-G-A. GRCh37 (hg19) VCF-style: chr2-61258876-G-A.
Other names: short protein forms A139T.
Identifiers: ClinVar variation 4991453 (VCV004991453.1).
Genomic context (GRCh38, chr2:61,031,741, plus strand): 5'-GTTCAGCAAGCTGAAGAAAGCAGCAGGGGTGCATTTCAGTCCATTGAAAGTATTGTGCAT[G>A]CATTTGCCTCTGTCAGTATGATGATGGATGCTACCTTTTCAGCTGTCTATAACAGTTTCA-3'
Protein context (NP_002609.1, residues 129-149): AFQSIESIVH[Ala139Thr]FASVSMMMDA